The following is an entry in ClinVar:

ClinVar aggregate classification (germline): Uncertain significance (1 of 4 stars; one submission).

Submission:

GeneDx
Classification: Uncertain significance. Last evaluated: 2026-03-24. Review status: criteria provided, single submitter. Criteria: GeneDx Variant Classification Process June 2021. Collection method: clinical testing. Allele origin: germline.
Comment: Not observed at significant frequency in large population cohorts (gnomAD); Nonsense variant predicted to result in protein truncation or nonsense mediated decay in a gene or region of a gene for which loss of function is not a well-established mechanism of disease; Has not been previously published as pathogenic or benign to our knowledge

NM_003601.4(SMARCA5):c.2404C>T (p.Arg802Ter)

Gene: SMARCA5 (SNF2 related chromatin remodeling ATPase 5; plus strand). Cytogenetic location: 4q31.21.
Variant type: single nucleotide variant.
Coding change: c.2404C>T on transcript NM_003601.4 (MANE Select); coding-DNA position 2404, C replaced by T.
Protein change: p.Arg802Ter; replaces arginine 802 with a stop codon.
Molecular consequence: nonsense.
Genome position (GRCh38, 1-based): chr4:143,545,931, C>T. VCF-style: chr4-143545931-C-T. GRCh37 (hg19) VCF-style: chr4-144467084-C-T.
Other names: short protein forms R802*.
Identifiers: ClinVar variation 5017117 (VCV005017117.1).